The following is an entry in ClinVar:

NM_014336.5(AIPL1):c.9C>T (p.Ala3=)

Gene: AIPL1 (AIP like 1 HSP90 co-chaperone; minus strand). Cytogenetic location: 17p13.2.
Variant type: single nucleotide variant.
Coding change: c.9C>T on transcript NM_014336.5 (MANE Select); coding-DNA position 9, C replaced by T.
Protein change: p.Ala3=; no amino-acid change (alanine 3 retained).
Molecular consequence: synonymous variant. On other transcripts: 5 prime UTR variant (1).
Genome position (GRCh38, 1-based): chr17:6,435,096, G>A on the plus strand (C>T on the coding strand, the complement: AIPL1 is on the minus strand). VCF-style: chr17-6435096-G-A. GRCh37 (hg19) VCF-style: chr17-6338416-G-A.
Other names: c.9C>T, p.Ala3= (NM_001033054.3, NM_001033055.3, NM_001285399.3 and 3 more transcripts); c.-167C>T (NM_001285402.2); c.9C>T (NM_014336.4).
Identifiers: ClinVar variation 1109114 (VCV001109114.10), dbSNP rs144074523, ClinGen allele CA8328684.

ClinVar aggregate classification (germline): Likely benign. Review status: criteria provided, multiple submitters, no conflicts (2 of 4 stars). 2 submissions from 2 submitters: Likely benign (2). Last evaluated 2025-09-11.

Conditions:
AIPL1-related disorder. Also called: AIPL1-related condition; AIPL1-related disorders. Identifiers: MedGen CN239169.
Leber congenital amaurosis 4 (LCA4). Identifiers: MedGen C1858386, MONDO:0011458, OMIM 604393.

Allele frequency attached by ClinVar (database versions not stated): gnomAD exomes 0.00001; ExAC 0.00002; TOPMed 0.00002; gnomAD 0.00004; ESP Exome Variant Server 0.00015; 1000 Genomes Project 30x 0.00016.

Submissions (2):

PreventionGenetics, part of Exact Sciences
Classification: Likely benign for AIPL1-related condition. Last evaluated: 2025-09-11. Review status: criteria provided, single submitter. Criteria: ACMG Guidelines, 2015. Collection method: clinical testing. Allele origin: germline.
Comment: This variant is classified as likely benign based on ACMG/AMP sequence variant interpretation guidelines (Richards et al. 2015 PMID: 25741868, with internal and published modifications).

Labcorp Genetics (formerly Invitae), Labcorp
Classification: Likely benign for Leber congenital amaurosis 4. Last evaluated: 2023-11-17. Review status: criteria provided, single submitter. Criteria: Invitae Variant Classification Sherloc (09022015). Collection method: clinical testing. Allele origin: germline.